The following is an entry in ClinVar:

NM_000540.3(RYR1):c.8557G>A (p.Glu2853Lys)

Genes: RYR1 (ryanodine receptor 1; plus strand), LOC126862902 (BRD4-independent group 4 enhancer GRCh37_chr19:38995830-38997029; plus strand). Cytogenetic location: 19q13.2.
Variant type: single nucleotide variant.
Coding change: c.8557G>A on transcript NM_000540.3 (MANE Select); coding-DNA position 8557, G replaced by A.
Protein change: p.Glu2853Lys; replaces glutamic acid 2853 with lysine.
Molecular consequence: missense variant.
Genome position (GRCh38, 1-based): chr19:38,506,318, G>A. VCF-style: chr19-38506318-G-A. GRCh37 (hg19) VCF-style: chr19-38996958-G-A.
Other names: c.8557G>A, p.Glu2853Lys (NM_001042723.2); short protein forms E2853K.
Identifiers: ClinVar variation 3242118 (VCV003242118.1), dbSNP rs1970447378.

ClinVar aggregate classification (germline): Uncertain significance (1 of 4 stars; one submission).

Conditions:
Central core myopathy (CMYO1A). Also called: Central core disease; Myopathy, central fibrillar; CONGENITAL MYOPATHY 1A, AUTOSOMAL DOMINANT, WITH SUSCEPTIBILITY TO MALIGNANT HYPERTHERMIA. Identifiers: Orphanet 597, MedGen C5830701, MONDO:0007294, OMIM 117000.

Allele frequency attached by ClinVar (database versions not stated): gnomAD exomes below 0.00001; TOPMed 0.00001.
gnomAD v4.1: 1 of 1,613,744 alleles (0.000062%); highest among the groups gnomAD compares: South Asian, 0.0011%; no homozygotes.

Submission:

Neuberg Centre For Genomic Medicine, NCGM
Classification: Uncertain significance for Central core myopathy. Review status: criteria provided, single submitter. Criteria: ACMG Guidelines, 2015. Collection method: clinical testing. Allele origin: germline. Inheritance: Autosomal dominant inheritance. Affected: yes.
Comment: The observed missense c.8557G>A(p.Glu2853Lys) variant in RYR1 gene has not been reported previously as a pathogenic variant nor as a benign variant, to our knowledge. This variant is absent in gnomAD Exomes. The amino acid Glu at position 2853 is changed to a Lys changing protein sequence and it might alter its composition and physico-chemical properties. The amino acid change p.Glu2853Lys in RYR1 is predicted as conserved by GERP++ and PhyloP across 100 vertebrates. For these reasons, this variant has been classified as Uncertain Significance.